The following is an entry in ClinVar:

ClinVar aggregate classification (germline): Uncertain significance (1 of 4 stars; one submission).

Allele frequency attached by ClinVar (database versions not stated): gnomAD exomes below 0.00001; TOPMed below 0.00001.
gnomAD v4.1: 2 of 1,613,926 alleles (0.00012%); highest among the groups gnomAD compares: Non-Finnish European, 0.00017%; no homozygotes.

Submission:

Labcorp Genetics (formerly Invitae), Labcorp
Classification: Uncertain significance. Last evaluated: 2021-06-12. Review status: criteria provided, single submitter. Criteria: Invitae Variant Classification Sherloc (09022015). Collection method: clinical testing. Allele origin: germline.
Comment: In summary, the available evidence is currently insufficient to determine the role of this variant in disease. Therefore, it has been classified as a Variant of Uncertain Significance. Nucleotide substitutions within the consensus splice site are a relatively common cause of aberrant splicing (PMID: 17576681, 9536098). Algorithms developed to predict the effect of sequence changes on RNA splicing suggest that this variant may disrupt the consensus splice site, but this prediction has not been confirmed by published transcriptional studies. This variant has not been reported in the literature in individuals with CNGB1-related conditions. This variant is not present in population databases (ExAC no frequency). This sequence change falls in intron 4 of the CNGB1 gene. It does not directly change the encoded amino acid sequence of the CNGB1 protein. It affects a nucleotide within the consensus splice site of the intron.

Literature cited by the submitters: PubMed 17576681; PubMed 9536098.

NM_001297.5(CNGB1):c.290+4C>G

Gene: CNGB1 (cyclic nucleotide gated channel subunit beta 1; minus strand). Cytogenetic location: 16q21.
Variant type: single nucleotide variant.
Coding change: c.290+4C>G on transcript NM_001297.5 (MANE Select); 4 bases into the intron after coding-DNA position 290, C replaced by G.
Molecular consequence: intron variant.
Genome position (GRCh38, 1-based): chr16:57,964,126, G>C on the plus strand (C>G on the coding strand, the complement: CNGB1 is on the minus strand). VCF-style: chr16-57964126-G-C. GRCh37 (hg19) VCF-style: chr16-57998030-G-C.
Other names: c.290+4C>G (NM_001286130.2, NM_001135639.2).
Identifiers: ClinVar variation 1477874 (VCV001477874.6), dbSNP rs1458415746, ClinGen allele CA722136001.